The following is an entry in ClinVar:

NM_001165963.4(SCN1A):c.603G>A (p.Ala201=)

Gene: SCN1A (sodium voltage-gated channel alpha subunit 1; minus strand). Cytogenetic location: 2q24.3.
Variant type: single nucleotide variant.
Coding change: c.603G>A on transcript NM_001165963.4 (MANE Select); coding-DNA position 603, G replaced by A.
Protein change: p.Ala201=; no amino-acid change (alanine 201 retained).
Molecular consequence: synonymous variant. On other transcripts: 5 prime UTR variant (1), non-coding transcript variant (1).
Genome position (GRCh38, 1-based): chr2:166,052,943, C>T on the plus strand (G>A on the coding strand, the complement: SCN1A is on the minus strand). VCF-style: chr2-166052943-C-T. GRCh37 (hg19) VCF-style: chr2-166909453-C-T.
Other names: c.603G>A, p.Ala201= (NM_001165964.3, NM_001202435.3, NM_001353948.2 and 10 more transcripts); c.-1823G>A (NM_001353961.2).
Identifiers: ClinVar variation 2883993 (VCV002883993.3), dbSNP rs2468233998, ClinGen allele CA429903449.

ClinVar aggregate classification (germline): Uncertain significance (1 of 4 stars; one submission).

Conditions:
Early-infantile DEE. Also called: Ohtahara syndrome; Early infantile epileptic encephalopathy; Early infantile epileptic encephalopathy with suppression bursts. Identifiers: Orphanet 1934, MedGen C0393706, MONDO:0800491.

Allele frequency attached by ClinVar (database versions not stated): gnomAD exomes below 0.00001.
gnomAD v4.1: 1 of 1,611,338 alleles (0.000062%); highest among the groups gnomAD compares: Non-Finnish European, 0.000085%; no homozygotes.

Submission:

Labcorp Genetics (formerly Invitae), Labcorp
Classification: Uncertain significance for Early-infantile DEE. Last evaluated: 2023-01-10. Review status: criteria provided, single submitter. Criteria: Invitae Variant Classification Sherloc (09022015). Collection method: clinical testing. Allele origin: germline.
Comment: Algorithms developed to predict the effect of sequence changes on RNA splicing suggest that this variant is not likely to affect RNA splicing. In summary, the available evidence is currently insufficient to determine the role of this variant in disease. Therefore, it has been classified as a Variant of Uncertain Significance. This variant has been observed in individual(s) with Dravet syndrome (PMID: 29933521). In at least one individual the variant was observed to be de novo. This variant is not present in population databases (gnomAD no frequency). This sequence change affects codon 201 of the SCN1A mRNA. It is a 'silent' change, meaning that it does not change the encoded amino acid sequence of the SCN1A protein. It affects a nucleotide within the consensus splice site.

Literature cited by the submitters: PubMed 29933521.